The following is an entry in ClinVar:

NM_000466.3(PEX1):c.1901-2A>G

Gene: PEX1 (peroxisomal biogenesis factor 1; minus strand). Cytogenetic location: 7q21.2.
Variant type: single nucleotide variant.
Coding change: c.1901-2A>G on transcript NM_000466.3 (MANE Select); the canonical splice acceptor site of the intron before coding-DNA position 1901, A replaced by G.
Molecular consequence: splice acceptor variant. On other transcripts: intron variant (1).
Genome position (GRCh38, 1-based): chr7:92,504,904, T>C on the plus strand (A>G on the coding strand, the complement: PEX1 is on the minus strand). VCF-style: chr7-92504904-T-C. GRCh37 (hg19) VCF-style: chr7-92134218-T-C.
Other names: c.1900+1344A>G (NM_001282677.2); c.1277-2A>G (NM_001282678.2); c.1901-2A>G (NM_000466.2).
Identifiers: ClinVar variation 2837111 (VCV002837111.4), dbSNP rs2484669193, ClinGen allele CA368184294.
Genomic context (GRCh38, chr7:92,504,904, plus strand): 5'-CCACACTGCCTCTGAGAAAGCCACCTCTAGGGTTTTTTGTATGTTTTCAAGCCTTTTTCC[T>C]TAATACAGAAGATATGAAATGGTTTCAGTATCATTTCAGTGCTGGGAAAATTCAGGTTGT-3'

ClinVar aggregate classification (germline): Likely pathogenic. Review status: criteria provided, multiple submitters, no conflicts (2 of 4 stars). 2 submissions from 2 submitters: Likely pathogenic (2). Last evaluated 2024-11-13.

Conditions:
Zellweger spectrum disorders (ZS). Also called: Zellweger syndrome; Zellweger Spectrum Disorder; Zellweger Spectrum; Zellweger Spectrum Disorder (ZSD). Identifiers: Orphanet 912, MedGen C0043459, MONDO:0019609.

Submissions (2):

Natera, Inc.
Classification: Likely pathogenic for Zellweger syndrome. Last evaluated: 2024-11-13. Review status: criteria provided, single submitter. Criteria: Natera Variant Classification Schema (03/2026). Collection method: clinical testing. Allele origin: germline.
Comment: The c.1901-2A>G variant in PEX1 is a canonical splice acceptor site variant predicted to affect pre-mRNA splicing, which may result in an abnormal transcript and altered protein product. This variant is expected to result in nonsense mediated decay, truncation, or a dysfunctional protein product. This variant is rare in the general population with a frequency below the threshold expected for the associated phenotype(s). Given the available evidence, this variant is classified as Likely Pathogenic.

Labcorp Genetics (formerly Invitae), Labcorp
Classification: Likely pathogenic for Zellweger spectrum disorders. Last evaluated: 2023-02-14. Review status: criteria provided, single submitter. Criteria: Invitae Variant Classification Sherloc (09022015). Collection method: clinical testing. Allele origin: germline.
Comment: This sequence change affects an acceptor splice site in intron 11 of the PEX1 gene. It is expected to disrupt RNA splicing. Variants that disrupt the donor or acceptor splice site typically lead to a loss of protein function (PMID: 16199547), and loss-of-function variants in PEX1 are known to be pathogenic (PMID: 9398847, 16086329, 16141001, 21031596, 26387595, 31831025). This variant is not present in population databases (gnomAD no frequency). This variant has not been reported in the literature in individuals affected with PEX1-related conditions. Algorithms developed to predict the effect of sequence changes on RNA splicing suggest that this variant may disrupt the consensus splice site. In summary, the currently available evidence indicates that the variant is pathogenic, but additional data are needed to prove that conclusively. Therefore, this variant has been classified as Likely Pathogenic.

Literature cited by the submitters: PubMed 16199547 (cited by Labcorp Genetics (formerly Invitae), Labcorp); PubMed 9398847 (cited by Labcorp Genetics (formerly Invitae), Labcorp); PubMed 16086329 (cited by Labcorp Genetics (formerly Invitae), Labcorp); PubMed 16141001 (cited by Labcorp Genetics (formerly Invitae), Labcorp); PubMed 21031596 (cited by Labcorp Genetics (formerly Invitae), Labcorp); PubMed 26387595 (cited by Labcorp Genetics (formerly Invitae), Labcorp); PubMed 31831025 (cited by Labcorp Genetics (formerly Invitae), Labcorp).